The following is an entry in ClinVar:

ClinVar aggregate classification (germline): Uncertain significance. Review status: criteria provided, multiple submitters, no conflicts (2 of 4 stars). 2 submissions from 2 submitters: Uncertain significance (2). Last evaluated 2025-04-29.

Conditions:
Kidney disorder. Also called: renal disorder; renal disease; Nephropathy; Kidney Diseases; Kidney disease. Identifiers: MedGen C0022658, MONDO:0005240, HP:0000112.

Allele frequency attached by ClinVar (database versions not stated): ExAC 0.00002; gnomAD 0.00002; gnomAD exomes 0.00003; TOPMed 0.00003; ESP Exome Variant Server 0.00008.
gnomAD v4.1: 52 of 1,611,598 alleles (0.0032%); highest among the groups gnomAD compares: African/African-American, 0.011%; no homozygotes.

Submissions (2):

Labcorp Genetics (formerly Invitae), Labcorp
Classification: Uncertain significance. Last evaluated: 2025-04-29. Review status: criteria provided, single submitter. Criteria: Invitae Variant Classification Sherloc (09022015). Collection method: clinical testing. Allele origin: germline.
Comment: This sequence change falls in intron 20 of the MYH9 gene. It does not directly change the encoded amino acid sequence of the MYH9 protein. It affects a nucleotide within the consensus splice site. The frequency data for this variant in the population databases is considered unreliable, as metrics indicate poor data quality at this position in the gnomAD database. This variant has not been reported in the literature in individuals affected with MYH9-related conditions. ClinVar contains an entry for this variant (Variation ID: 1712411). Variants that disrupt the consensus splice site are a relatively common cause of aberrant splicing (PMID: 17576681, 9536098). Algorithms developed to predict the effect of sequence changes on RNA splicing suggest that this variant is not likely to affect RNA splicing. In summary, the available evidence is currently insufficient to determine the role of this variant in disease. Therefore, it has been classified as a Variant of Uncertain Significance.

Genome Diagnostics Laboratory, The Hospital for Sick Children
Classification: Uncertain significance for Kidney disorder. Last evaluated: 2016-12-12. Review status: criteria provided, single submitter. Criteria: ACMG Guidelines, 2015. Collection method: clinical testing. Allele origin: germline.

Literature cited by the submitters: PubMed 17576681 (cited by Labcorp Genetics (formerly Invitae), Labcorp); PubMed 9536098 (cited by Labcorp Genetics (formerly Invitae), Labcorp).

NM_002473.6(MYH9):c.2499+4C>T

Gene: MYH9 (myosin heavy chain 9; minus strand). Cytogenetic location: 22q12.3.
Variant type: single nucleotide variant.
Coding change: c.2499+4C>T on transcript NM_002473.6 (MANE Select); 4 bases into the intron after coding-DNA position 2499, C replaced by T.
Molecular consequence: intron variant.
Genome position (GRCh38, 1-based): chr22:36,302,564, G>A on the plus strand (C>T on the coding strand, the complement: MYH9 is on the minus strand). VCF-style: chr22-36302564-G-A. GRCh37 (hg19) VCF-style: chr22-36698610-G-A.
Identifiers: ClinVar variation 1712411 (VCV001712411.7), dbSNP rs369049684, ClinGen allele CA10209955.